The following is an entry in ClinVar:

ClinVar aggregate classification (germline): Uncertain significance. Review status: criteria provided, multiple submitters, no conflicts (2 of 4 stars). 4 submissions from 4 submitters: Uncertain significance (3). 1 of the submissions does not count toward it. Last evaluated 2026-01-05.

Conditions:
PRPH2-related disorder. Also called: PRPH2-related disorders; PRPH2-related condition. Identifiers: MedGen CN239395.

Allele frequency attached by ClinVar (database versions not stated): gnomAD exomes 0.00001 and 0.00004; gnomAD 0.00002 and 0.00003; TOPMed 0.00003.
gnomAD v4.1: 68 of 1,614,084 alleles (0.0042%); highest among the groups gnomAD compares: Non-Finnish European, 0.0054%; no homozygotes.

Submissions (4):

Labcorp Genetics (formerly Invitae), Labcorp
Classification: Uncertain significance for PRPH2-related disorder. Last evaluated: 2026-01-05. Review status: criteria provided, single submitter. Criteria: Invitae Variant Classification Sherloc (09022015). Collection method: clinical testing. Allele origin: germline.
Comment: This sequence change replaces threonine, which is neutral and polar, with isoleucine, which is neutral and non-polar, at codon 155 of the PRPH2 protein (p.Thr155Ile). This variant is present in population databases (rs199572514, gnomAD 0.003%). This missense change has been observed in individual(s) with retinitis pigmentosa (PMID: 31963381). ClinVar contains an entry for this variant (Variation ID: 866554). Invitae Evidence Modeling of protein sequence and biophysical properties (such as structural, functional, and spatial information, amino acid conservation, physicochemical variation, residue mobility, and thermodynamic stability) indicates that this missense variant is expected to disrupt PRPH2 protein function with a positive predictive value of 95%. In summary, the available evidence is currently insufficient to determine the role of this variant in disease. Therefore, it has been classified as a Variant of Uncertain Significance.

PreventionGenetics, part of Exact Sciences
Classification: Uncertain significance for PRPH2-related condition. Last evaluated: 2025-09-23. Review status: criteria provided, single submitter. Criteria: ACMG Guidelines, 2015. Collection method: clinical testing. Allele origin: germline.
Comment: The PRPH2 c.464C>T variant is predicted to result in the amino acid substitution p.Thr155Ile. This variant has been observed in individuals with retinal disease (Table S2, Peeters et al. 2021. PubMed ID: 34411390; Whelan et al. 2020. PubMed ID: 31963381; Nanda et al. 2019. PubMed ID: 30731082); however, in two individuals variants in other genes were also identified (Whelan et al. 2020. PubMed ID: 31963381; Nanda et al. 2019. PubMed ID: 30731082). This variant is reported in 0.0031% of alleles in individuals of European (Non-Finnish) descent in gnomAD. At this time, the clinical significance of this variant is uncertain due to the absence of conclusive functional and genetic evidence.

Blueprint Genetics
Classification: Uncertain significance. Last evaluated: 2023-04-10. Review status: criteria provided, single submitter. Criteria: ACMG Guidelines, 2015. Collection method: clinical testing. Allele origin: germline.

Leiden Open Variation Database
Classification: Likely pathogenic. Last evaluated: 2021-04-06. Review status: no assertion criteria provided. Collection method: curation. Allele origin: germline. Affected: yes. Not counted in ClinVar's aggregate classification.
Comment: Curator: Global Variome, with Curator vacancy. Submitter to LOVD: Manon Peeters.

Literature cited by the submitters: PubMed 31963381 (cited by Labcorp Genetics (formerly Invitae), Labcorp); PubMed 30731082 (cited by Leiden Open Variation Database).

NM_000322.5(PRPH2):c.464C>T (p.Thr155Ile)

Gene: PRPH2 (peripherin 2; minus strand). Cytogenetic location: 6p21.1.
Variant type: single nucleotide variant.
Coding change: c.464C>T on transcript NM_000322.5 (MANE Select); coding-DNA position 464, C replaced by T.
Protein change: p.Thr155Ile; replaces threonine 155 with isoleucine.
Molecular consequence: missense variant.
Genome position (GRCh38, 1-based): chr6:42,721,871, G>A on the plus strand (C>T on the coding strand, the complement: PRPH2 is on the minus strand). VCF-style: chr6-42721871-G-A. GRCh37 (hg19) VCF-style: chr6-42689609-G-A.
Other names: short protein forms T155I.
Identifiers: ClinVar variation 866554 (VCV000866554.9), dbSNP rs199572514, ClinGen allele CA138187082.